The following is an entry in ClinVar:

ClinVar aggregate classification (germline): Uncertain significance (1 of 4 stars; one submission).

gnomAD v4.1: 14 of 1,614,086 alleles (0.00087%); highest among the groups gnomAD compares: African/African-American, 0.011%; no homozygotes.

Submission:

Labcorp Genetics (formerly Invitae), Labcorp
Classification: Uncertain significance. Last evaluated: 2025-08-20. Review status: criteria provided, single submitter. Criteria: Invitae Variant Classification Sherloc (09022015). Collection method: clinical testing. Allele origin: germline.
Comment: This sequence change replaces methionine, which is neutral and non-polar, with isoleucine, which is neutral and non-polar, at codon 205 of the SLC36A2 protein (p.Met205Ile). This variant is present in population databases (rs556896093, gnomAD 0.02%). This variant has not been reported in the literature in individuals affected with SLC36A2-related conditions. Invitae Evidence Modeling of protein sequence and biophysical properties (such as structural, functional, and spatial information, amino acid conservation, physicochemical variation, residue mobility, and thermodynamic stability) indicates that this missense variant is not expected to disrupt SLC36A2 protein function with a negative predictive value of 80%. In summary, the available evidence is currently insufficient to determine the role of this variant in disease. Therefore, it has been classified as a Variant of Uncertain Significance.

NM_181776.3(SLC36A2):c.615G>T (p.Met205Ile)

Gene: SLC36A2 (solute carrier family 36 member 2; minus strand). Cytogenetic location: 5q33.1.
Variant type: single nucleotide variant.
Coding change: c.615G>T on transcript NM_181776.3 (MANE Select); coding-DNA position 615, G replaced by T.
Protein change: p.Met205Ile; replaces methionine 205 with isoleucine.
Molecular consequence: missense variant.
Genome position (GRCh38, 1-based): chr5:151,335,458, C>A on the plus strand (G>T on the coding strand, the complement: SLC36A2 is on the minus strand). VCF-style: chr5-151335458-C-A. GRCh37 (hg19) VCF-style: chr5-150715019-C-A.
Other names: short protein forms M205I.
Identifiers: ClinVar variation 4705056 (VCV004705056.1).